The following is an entry in ClinVar:

ClinVar aggregate classification (germline): Likely pathogenic (1 of 4 stars; one submission).

Submission:

Labcorp Genetics (formerly Invitae), Labcorp
Classification: Likely pathogenic. Last evaluated: 2023-07-25. Review status: criteria provided, single submitter. Criteria: Invitae Variant Classification Sherloc (09022015). Collection method: clinical testing. Allele origin: germline.
Comment: This variant has not been reported in the literature in individuals affected with COL7A1-related conditions. This variant is not present in population databases (gnomAD no frequency). This sequence change affects an acceptor splice site in intron 51 of the COL7A1 gene. It is expected to disrupt splicing. Variants that disrupt the donor or acceptor splice site typically lead to a loss of protein function (PMID: 16199547), and loss-of-function variants in COL7A1 are known to be disease-causing for autosomal recessive dystrophic epidermolysis bullosa (PMID: 16971478). However, certain variants affecting donor or acceptor splice sites in the triple helical domain of COL7A1 are expected to result in in-frame exon skipping and have been reported to cause autosomal dominant dystrophic epidermolysis bullosa (PMID: 31670143). Algorithms developed to predict the effect of sequence changes on RNA splicing suggest that this variant may disrupt the consensus splice site. In summary, the currently available evidence indicates that the variant is pathogenic, but additional data are needed to prove that conclusively. Therefore, this variant has been classified as Likely Pathogenic.

Literature cited by the submitters: PubMed 16199547; PubMed 16971478; PubMed 31670143.

NM_000094.4(COL7A1):c.4900-1G>C

Gene: COL7A1 (collagen type VII alpha 1 chain; minus strand). Cytogenetic location: 3p21.31.
Variant type: single nucleotide variant.
Coding change: c.4900-1G>C on transcript NM_000094.4 (MANE Select); the canonical splice acceptor site of the intron before coding-DNA position 4900, G replaced by C.
Molecular consequence: splice acceptor variant.
Genome position (GRCh38, 1-based): chr3:48,581,158, C>G on the plus strand (G>C on the coding strand, the complement: COL7A1 is on the minus strand). VCF-style: chr3-48581158-C-G. GRCh37 (hg19) VCF-style: chr3-48618591-C-G.
Identifiers: ClinVar variation 2746228 (VCV002746228.3), dbSNP rs2107710536, ClinGen allele CA352682680.